The following is an entry in ClinVar:

NM_001844.5(COL2A1):c.2918_2926del (p.Pro973_Gly975del)

Gene: COL2A1 (collagen type II alpha 1 chain; minus strand). Cytogenetic location: 12q13.11.
Variant type: Deletion.
Coding change: c.2918_2926del on transcript NM_001844.5 (MANE Select); coding-DNA positions 2918 to 2926, 9 bases deleted (CCCAGGGTC; older notation c.2918_2926delCCCAGGGTC).
Protein change: p.Pro973_Gly975del.
Molecular consequence: inframe deletion.
Genome position (GRCh38, 1-based): chr12:47,978,368-47,978,376, GACCCTGGG deleted on the plus strand (CCCAGGGTC on the coding strand, the reverse complement: COL2A1 is on the minus strand); deleting any 9 consecutive bases within chr12:47,978,368-47,978,380 gives the same sequence; the c. name uses the placement nearest the transcript's 3' end. VCF-style (leftmost placement, unchanged base first): chr12-47978367-AGACCCTGGG-A. GRCh37 (hg19) VCF-style: chr12-48372150-AGACCCTGGG-A.
Other names: c.2711_2719del, p.Pro904_Gly906del (NM_033150.3).
Identifiers: ClinVar variation 1478895 (VCV001478895.8), dbSNP rs2136526580, ClinGen allele CA2573148638.

ClinVar aggregate classification (germline): Pathogenic (1 of 4 stars; one submission).

Submission:

Labcorp Genetics (formerly Invitae), Labcorp
Classification: Pathogenic. Last evaluated: 2024-08-26. Review status: criteria provided, single submitter. Criteria: Invitae Variant Classification Sherloc (09022015). Collection method: clinical testing. Allele origin: germline.
Comment: This variant, c.2918_2926del, results in the deletion of 3 amino acid(s) of the COL2A1 protein (p.Pro973_Gly975del), but otherwise preserves the integrity of the reading frame. This variant is not present in population databases (gnomAD no frequency). This variant has been observed in individual(s) with clinical features of autosomal dominant COL2A1-related conditions (internal data). In at least one individual the variant was observed to be de novo. ClinVar contains an entry for this variant (Variation ID: 1478895). This variant disrupts the triple helix domain of COL2A1. Glycine residues within the Gly-Xaa-Yaa repeats of the triple helix domain are required for the structure and stability of fibrillar collagens (PMID: 7695699, 8218237, 19344236). In COL2A1, variants affecting these glycine residues are significantly enriched in individuals with disease (PMID: 9016532, 17078022) compared to the general population (ExAC). For these reasons, this variant has been classified as Pathogenic.

Literature cited by the submitters: PubMed 7695699; PubMed 8218237; PubMed 19344236; PubMed 9016532; PubMed 17078022.